The following is an entry in ClinVar:

GRCh37/hg19 17p13.3(chr17:858365-1690452)x3

Genes: ABR (ABR activator of RhoGEF and GTPase; minus strand), BHLHA9 (basic helix-loop-helix family member a9; plus strand), CRK (CRK proto-oncogene, adaptor protein; minus strand), INPP5K (inositol polyphosphate-5-phosphatase K; minus strand), MIR22 (microRNA 22; minus strand) and 15 more. Cytogenetic location: 17p13.3.
Variant type: copy number gain.
Change: copy number 3 (three copies instead of two) of chr17:858,365-1,690,452 (832.1 kb, GRCh37 coordinates, 1-based), cytogenetic band 17p13.3.
Identifiers: ClinVar variation 1340108 (VCV001340108.1).

ClinVar aggregate classification (germline): Pathogenic (0 of 4 stars; one submission).

Submission:

Quest Diagnostics Nichols Institute San Juan Capistrano
Classification: Pathogenic. Last evaluated: 2021-03-01. Review status: no assertion criteria provided. Collection method: clinical testing. Allele origin: germline.
Comment: The copy number gain of 17p13.3 involves multiple genes including YWHAE (OMIM 605066), BHLHA9 (OMIM 615416), CRK (OMIM 164762) and PRPF8 (OMIM 607300) and is expected to cause phenotypic and/or developmental abnormalities. Duplications of this region, involving YWHAE but not PAFAH1B1, have been associated with the class I type of chromosome 17p13.3 duplication syndrome (OMIM 613215) featured with intellectual impairment, autism, occasional structural brain abnormalities and possibly early overgrowth. Incomplete penetrance and highly variable expressivity are characteristic of this duplication syndrome. Inter- and intrafamilial variability is typical, especially in cognitive development, and appears to be at least partially dependent on the size of the duplication and genes involved. Duplications of YWHAE and flanking genes such as CRK are most commonly associated with autism spectrum disorders (Curry et al., Am J Med Genet A. 2013 Aug;161A(8):1833-52. PMID: 23813913; Henry et al. Eur J Med Genet. 2016 Oct;59(10):512-6; PMID: 27633569). A de novo 231 Kb gain including YWHAE and CRK was reported in a patient with developmental delay (Crippa et al., Front Genet. 2019 Oct 15;10:955. PMID: 31749829). The present gain interval also overlaps the region, including BHLHA9, associated with split-hand/foot malformation with long bone deficiency-3 (OMIM 612576), which is less than 50% penetrant and shows markedly variable expressivity. In addition, heterozygous pathogenic sequence variants of PRPF8 (missense and truncating) have been associated with autosomal dominant retinitis pigmentosa 13 (OMIM 600059).